The following is an entry in ClinVar:

NM_000093.5(COL5A1):c.5026G>A (p.Gly1676Arg)

Genes: COL5A1 (collagen type V alpha 1 chain; plus strand), LOC101448202 (uncharacterized LOC101448202; minus strand). Cytogenetic location: 9q34.3.
Variant type: single nucleotide variant.
Coding change: c.5026G>A on transcript NM_000093.5 (MANE Select); coding-DNA position 5026, G replaced by A.
Protein change: p.Gly1676Arg; replaces glycine 1676 with arginine.
Molecular consequence: missense variant.
Genome position (GRCh38, 1-based): chr9:134,825,863, G>A. VCF-style: chr9-134825863-G-A. GRCh37 (hg19) VCF-style: chr9-137717709-G-A.
Other names: p.Gly1676Arg; c.5026G>A, p.Gly1676Arg (NM_001278074.1); c.5026G>A (NM_000093.3); short protein forms G1676R.
Identifiers: ClinVar variation 1381159 (VCV001381159.12), dbSNP rs368448060, ClinGen allele CA5320539.

ClinVar aggregate classification (germline): Uncertain significance. Review status: criteria provided, multiple submitters, no conflicts (2 of 4 stars). 5 submissions from 5 submitters: Uncertain significance (5). Last evaluated 2026-03-06.

Conditions:
Familial thoracic aortic aneurysm and aortic dissection (TAAD). Also called: Thoracic aortic aneurysms and dissections. Identifiers: Orphanet 91387, MedGen C4707243, MONDO:0019625.
Ehlers-Danlos syndrome, classic type, 1 (EDSCL1). Also called: Ehlers-Danlos syndrome, type 1; EHLERS-DANLOS SYNDROME, GRAVIS TYPE; EHLERS-DANLOS SYNDROME, SEVERE CLASSIC TYPE; Ehlers-Danlos Syndrome, Classic Type, COL5A1-Related; EDS I. Identifiers: MedGen C0268335, MONDO:0019567, OMIM 130000.

gnomAD v4.1: 32 of 1,610,672 alleles (0.002%); highest among the groups gnomAD compares: African/African-American, 0.004%; no homozygotes.

Submissions (5):

GeneDx
Classification: Uncertain significance. Last evaluated: 2026-03-06. Review status: criteria provided, single submitter. Criteria: GeneDx Variant Classification Process June 2021. Collection method: clinical testing. Allele origin: germline.
Comment: Not observed at significant frequency in large population cohorts (gnomAD); In silico analysis supports that this missense variant has a deleterious effect on protein structure/function; Has not been previously published as pathogenic or benign to our knowledge; Not located in the triple helical region, where the majority of pathogenic missense variants occur (PMID: 22696272; HGMD); This variant is associated with the following publications: (PMID: 22696272)

Ambry Genetics
Classification: Uncertain significance for Familial thoracic aortic aneurysm and aortic dissection. Last evaluated: 2025-09-24. Review status: criteria provided, single submitter. Criteria: Ambry Variant Classification Scheme 2023. Collection method: clinical testing. Allele origin: germline.
Comment: The p.G1676R variant (also known as c.5026G>A), located in coding exon 63 of the COL5A1 gene, results from a G to A substitution at nucleotide position 5026. The glycine at codon 1676 is replaced by arginine, an amino acid with dissimilar properties. This amino acid position is highly conserved in available vertebrate species. In addition, the in silico prediction for this alteration is inconclusive. Based on the available evidence, the clinical significance of this variant remains unclear.

Labcorp Genetics (formerly Invitae), Labcorp
Classification: Uncertain significance for Ehlers-Danlos syndrome, classic type, 1. Last evaluated: 2023-09-04. Review status: criteria provided, single submitter. Criteria: Invitae Variant Classification Sherloc (09022015). Collection method: clinical testing. Allele origin: germline.
Comment: In summary, the available evidence is currently insufficient to determine the role of this variant in disease. Therefore, it has been classified as a Variant of Uncertain Significance. Advanced modeling of protein sequence and biophysical properties (such as structural, functional, and spatial information, amino acid conservation, physicochemical variation, residue mobility, and thermodynamic stability) has been performed at Invitae for this missense variant, however the output from this modeling did not meet the statistical confidence thresholds required to predict the impact of this variant on COL5A1 protein function. ClinVar contains an entry for this variant (Variation ID: 1381159). This variant has not been reported in the literature in individuals affected with COL5A1-related conditions. This variant is present in population databases (rs368448060, gnomAD 0.003%). This sequence change replaces glycine, which is neutral and non-polar, with arginine, which is basic and polar, at codon 1676 of the COL5A1 protein (p.Gly1676Arg).

Mayo Clinic Laboratories, Mayo Clinic
Classification: Uncertain significance. Last evaluated: 2023-05-25. Review status: criteria provided, single submitter. Criteria: ACMG Guidelines, 2015. Collection method: clinical testing. Allele origin: germline. Observed: 1 variant allele.
Comment: PP3

AiLife Diagnostics
Classification: Uncertain significance. Last evaluated: 2021-10-26. Review status: criteria provided, single submitter. Criteria: ACMG Guidelines, 2015. Collection method: clinical testing. Allele origin: germline. Affected: yes. Observed: 1 variant allele.